The following is an entry in ClinVar:

ClinVar aggregate classification (germline): Likely benign. Review status: reviewed by expert panel (3 of 4 stars). 8 submissions from 8 submitters: Likely benign (1). 7 of the submissions do not count toward it. Last evaluated 2025-01-14.

Conditions:
ACADVL-related disorder. Also called: ACADVL-related condition.
Very long chain acyl-CoA dehydrogenase deficiency (ACADVLD). Also called: VLCAD Deficiency; Very Long-Chain Acyl-Coenzyme A Dehydrogenase Deficiency. Identifiers: Orphanet 26793, MedGen C3887523, MONDO:0008723, OMIM 201475.

Allele frequency attached by ClinVar (database versions not stated): 1000 Genomes Project 30x 0.00094; 1000 Genomes Project 0.00120; TOPMed 0.00014; ESP Exome Variant Server 0.00015; gnomAD 0.00041 and 0.00050; ExAC 0.00077; gnomAD exomes 0.00085.
gnomAD v4.1: 650 of 1,609,274 alleles (0.04%); highest among the groups gnomAD compares: South Asian, 0.32%; 5 homozygotes.

Submissions (8):

ClinGen ACADVL Variant Curation Expert Panel, ClinGen
Classification: Likely benign for Very long chain acyl-CoA dehydrogenase deficiency. Last evaluated: 2025-01-14. Review status: reviewed by expert panel. Criteria: clingen acadvl acmg specifications v1. Collection method: curation. Allele origin: germline. Inheritance: Autosomal recessive inheritance.
Comment: The c.1077+15C>T variant in ACADVL is an intronic variant which falls downstream of the exon 10 donor splice site. The highest population minor allele frequency in gnomAD v2.1.1 is 0.003767 in the Ashkenazi Jewish population and 0.0033 in the South Asian population which is not higher than the ClinGen ACADVL VCEP threshold (>0.0035) for BS1. However, due to the Ashkenazi Jewish population meeting BS1 while the continental South Asian population is approaching the BS1 threshold, the ACADVL VCEP has applied this criterion (BS1). This same individual was compound heterozygous for this variant and two other variants, though the lack of confirmation in trans disallows this evidence from meeting BP2 (PMID: 27246109; Variants: p.Lys187Glu, c.1678+23 C>T). The results from two in silico splicing predictors (NNSPLICE, SpliceAI) support that this variant does not affect splicing (BP4). In summary, this variant meets the criteria to be classified as likely benign for VLCAD deficiency in an autosomal recessive manner based on the ACMG/AMP criteria applied, as specified by the ClinGen ACADVL VCEP: BS1, BP4 (ACADVL VCEP specifications version 1; approved November 9, 2021).

Labcorp Genetics (formerly Invitae), Labcorp
Classification: Benign for Very long chain acyl-CoA dehydrogenase deficiency. Last evaluated: 2026-02-01. Review status: criteria provided, single submitter. Criteria: Invitae Variant Classification Sherloc (09022015). Collection method: clinical testing. Allele origin: germline. Not counted in ClinVar's aggregate classification.

Blueprint Genetics
Classification: Likely benign. Last evaluated: 2024-07-05. Review status: criteria provided, single submitter. Criteria: ACMG Guidelines, 2015. Collection method: clinical testing. Allele origin: germline. Not counted in ClinVar's aggregate classification.

Wong Mito Lab, Molecular and Human Genetics, Baylor College of Medicine
Classification: Benign for Very long chain acyl-CoA dehydrogenase deficiency. Last evaluated: 2019-11-01. Review status: criteria provided, single submitter. Criteria: ACMG Guidelines, 2015. Collection method: clinical testing. Allele origin: germline. Not counted in ClinVar's aggregate classification.
Comment: The NM_000018.3:c.1077+15C>T (NP_000009.1:p.?) [GRCH38: NC_000017.11:g.7222880C>T] variant in ACADVL gene is interpretated to be Benign based on ACMG guidelines (PMID: 25741868). This variant has been reported. This variant meets the following evidence codes reported in the ACMG guidelines: BS1, BS2

GeneDx
Classification: Likely benign. Last evaluated: 2017-09-01. Review status: criteria provided, single submitter. Criteria: GeneDx Variant Classification (06012015). Collection method: clinical testing. Allele origin: germline. Affected: yes. Not counted in ClinVar's aggregate classification.
Comment: This variant is considered likely benign or benign based on one or more of the following criteria: it is a conservative change, it occurs at a poorly conserved position in the protein, it is predicted to be benign by multiple in silico algorithms, and/or has population frequency not consistent with disease.

Illumina Laboratory Services, Illumina
Classification: Uncertain significance for Very long chain acyl-CoA dehydrogenase deficiency. Last evaluated: 2017-04-28. Review status: criteria provided, single submitter. Criteria: ICSL Variant Classification Criteria 13 December 2019. Collection method: clinical testing. Allele origin: germline. Not counted in ClinVar's aggregate classification.

PreventionGenetics, part of Exact Sciences
Classification: Likely benign for ACADVL-related condition. Last evaluated: 2020-02-04. Review status: no assertion criteria provided. Collection method: clinical testing. Allele origin: germline. Not counted in ClinVar's aggregate classification.
Comment: This variant is classified as likely benign based on ACMG/AMP sequence variant interpretation guidelines (Richards et al. 2015 PMID: 25741868, with internal and published modifications).

Natera, Inc.
Classification: Likely benign for Very long chain acyl-CoA dehydrogenase deficiency. Last evaluated: 2020-02-03. Review status: no assertion criteria provided. Collection method: clinical testing. Allele origin: germline. Not counted in ClinVar's aggregate classification.

NM_000018.4(ACADVL):c.1077+15C>T

Gene: ACADVL (acyl-CoA dehydrogenase very long chain; plus strand). Cytogenetic location: 17p13.1.
Variant type: single nucleotide variant.
Coding change: c.1077+15C>T on transcript NM_000018.4 (MANE Select); 15 bases into the intron after coding-DNA position 1077, C replaced by T.
Molecular consequence: intron variant.
Genome position (GRCh38, 1-based): chr17:7,222,880, C>T. VCF-style: chr17-7222880-C-T. GRCh37 (hg19) VCF-style: chr17-7126199-C-T.
Other names: c.1146+15C>T (NM_001270447.2); c.849+15C>T (NM_001270448.2); c.1011+15C>T (NM_001033859.3).
Identifiers: ClinVar variation 509396 (VCV000509396.26), dbSNP rs202237278, ClinGen allele CA8337936.